The following is an entry in ClinVar:

ClinVar aggregate classification (germline): Uncertain significance (1 of 4 stars; one submission).

Conditions:
Alagille syndrome due to a JAG1 point mutation. Also called: JAG1-Related Alagille Syndrome; Alagille Syndrome 1; HEPATIC DUCTULAR HYPOPLASIA, SYNDROMATIC. Identifiers: Orphanet 261619, Orphanet 52, MedGen C1956125, MONDO:0016862, OMIM 118450.

Allele frequency attached by ClinVar (database versions not stated): gnomAD exomes below 0.00001.
gnomAD v4.1: 1 of 1,613,914 alleles (0.000062%); highest among the groups gnomAD compares: East Asian, 0.0022%; no homozygotes.

Submission:

Labcorp Genetics (formerly Invitae), Labcorp
Classification: Uncertain significance for Alagille syndrome due to a JAG1 point mutation. Last evaluated: 2024-01-16. Review status: criteria provided, single submitter. Criteria: Invitae Variant Classification Sherloc (09022015). Collection method: clinical testing. Allele origin: germline.
Comment: This sequence change replaces serine, which is neutral and polar, with phenylalanine, which is neutral and non-polar, at codon 426 of the JAG1 protein (p.Ser426Phe). This variant is not present in population databases (gnomAD no frequency). This variant has not been reported in the literature in individuals affected with JAG1-related conditions. ClinVar contains an entry for this variant (Variation ID: 2162872). Advanced modeling of protein sequence and biophysical properties (such as structural, functional, and spatial information, amino acid conservation, physicochemical variation, residue mobility, and thermodynamic stability) has been performed at Invitae for this missense variant, however the output from this modeling did not meet the statistical confidence thresholds required to predict the impact of this variant on JAG1 protein function. In summary, the available evidence is currently insufficient to determine the role of this variant in disease. Therefore, it has been classified as a Variant of Uncertain Significance.

NM_000214.3(JAG1):c.1277C>T (p.Ser426Phe)

Gene: JAG1 (jagged canonical Notch ligand 1; minus strand). Cytogenetic location: 20p12.2.
Variant type: single nucleotide variant.
Coding change: c.1277C>T on transcript NM_000214.3 (MANE Select); coding-DNA position 1277, C replaced by T.
Protein change: p.Ser426Phe; replaces serine 426 with phenylalanine.
Molecular consequence: missense variant.
Genome position (GRCh38, 1-based): chr20:10,649,593, G>A on the plus strand (C>T on the coding strand, the complement: JAG1 is on the minus strand). VCF-style: chr20-10649593-G-A. GRCh37 (hg19) VCF-style: chr20-10630241-G-A.
Other names: short protein forms S426F.
Identifiers: ClinVar variation 2162872 (VCV002162872.4), dbSNP rs958409504, ClinGen allele CA408238248.